The following is an entry in ClinVar:

ClinVar aggregate classification (germline): Benign. Review status: reviewed by expert panel (3 of 4 stars). 3 submissions from 3 submitters: Benign (1). 2 of the submissions do not count toward it. Last evaluated 2024-03-25.

Conditions:
Creatine transporter deficiency (CCDS1). Also called: CEREBRAL CREATINE DEFICIENCY SYNDROME 1; Creatine Transporter (CRTR) Deficiency; Mental retardation , X-linked with seizures, short stature and midface hypoplasia; Mental retardation , X-linked, with creatine transport deficiency; X-linked creatine transporter deficiency; X-linked creatine deficiency syndrome. Identifiers: Orphanet 52503, MedGen C1845862, MONDO:0010305, OMIM 300352.

Submissions (3):

ClinGen Cerebral Creatine Deficiency Syndromes Variant Curation Expert Panel, ClinGen
Classification: Benign for Creatine transporter deficiency. Last evaluated: 2024-03-25. Review status: reviewed by expert panel. Criteria: ClinGen_CCDS_ACMG_Specifications_SLC6A8_v1.1. Collection method: curation. Allele origin: germline. Inheritance: X-linked inheritance.
Comment: The NM_005629.4(SLC6A8):c.1596+24_1597-41dup variant in SLC6A8 is an intronic variant affecting the consensus splice site of intron 11/12. This variant has been previously reported as a variant of uncertain significance in an individual with suspected SLC6A8 deficiency (no further clinical data provided) (PMID: 20717164); thus PP4 does not apply. The highest population minor allele frequency in gnomAD v2.1.1 is 0.0003 (28/86410 alleles) in the European (non-Finnish) population, which is higher than the ClinGen CCDS VCEP’s threshold for BS1 (>0.0002), and therefore meets this criterion (BS1). This variant has been observed in 9 hemizygotes in gnomAD v2.1.1 (BS2). The computational splicing predictor SpliceAI gives a score of 0.06 for acceptor loss suggesting that the variant has no impact on splicing (BP4). There is a ClinVar entry for this variant (Variation ID: 1585170, 1-star review status), with one submitter classifying this variant as benign. In summary, this variant meets criteria to be classified as benign for creatine transporter deficiency. SLC6A8-specific criteria applied, as specified by the ClinGen CCDS VCEP (Specifications Version 1.1.0): BS1, BS2, BP4. (Classification approved by the ClinGen CCDS VCEP on March 25, 2024).

Labcorp Genetics (formerly Invitae), Labcorp
Classification: Benign for Creatine transporter deficiency. Last evaluated: 2026-01-28. Review status: criteria provided, single submitter. Criteria: Invitae Variant Classification Sherloc (09022015). Collection method: clinical testing. Allele origin: germline. Not counted in ClinVar's aggregate classification.

Blueprint Genetics
Classification: Likely benign. Last evaluated: 2024-11-11. Review status: criteria provided, single submitter. Criteria: ACMG Guidelines, 2015. Collection method: clinical testing. Allele origin: germline. Not counted in ClinVar's aggregate classification.

NM_005629.4(SLC6A8):c.1596+24_1597-41dup

Gene: SLC6A8 (solute carrier family 6 member 8; plus strand). Cytogenetic location: Xq28.
Variant type: Duplication.
Coding change: c.1596+24_1597-41dup on transcript NM_005629.4 (MANE Select); 24 bases into the intron after coding-DNA position 1596 through 41 bases into the intron before coding-DNA position 1597, 22 bases duplicated (AGGGCGGGGGGCGAGGCAGGGC).
Molecular consequence: intron variant.
Genome position (GRCh38, 1-based): chrX:153,694,657-153,694,678, AGGGCGGGGGGCGAGGCAGGGC duplicated; duplicating any 22 consecutive bases within chrX:153,694,653-153,694,678 gives the same sequence; the c. name uses the placement nearest the transcript's 3' end. VCF-style (leftmost placement, unchanged base first): chrX-153694652-G-GGGGCAGGGCGGGGGGCGAGGCA. GRCh37 (hg19) VCF-style: chrX-152960107-G-GGGGCAGGGCGGGGGGCGAGGCA.
Other names: c.1566+24_1567-41dup (NM_001142805.2); c.1251+24_1252-41dup (NM_001142806.1).
Identifiers: ClinVar variation 1585170 (VCV001585170.10), dbSNP rs782797794, ClinGen allele CA10549570.